The following is an entry in ClinVar:

NM_001783.4(CD79A):c.469G>A (p.Val157Met)

Genes: CD79A (CD79a molecule; plus strand), RPS19-CD79A (RPS19-CD79A readthrough; plus strand). Cytogenetic location: 19q13.2.
Variant type: single nucleotide variant.
Coding change: c.469G>A on transcript NM_001783.4 (MANE Select); coding-DNA position 469, G replaced by A.
Protein change: p.Val157Met; replaces valine 157 with methionine.
Molecular consequence: missense variant.
Genome position (GRCh38, 1-based): chr19:41,879,624, G>A. VCF-style: chr19-41879624-G-A. GRCh37 (hg19) VCF-style: chr19-42383694-G-A.
Other names: c.355G>A, p.Val119Met (NM_021601.4); short protein forms V119M, V157M.
Identifiers: ClinVar variation 1369396 (VCV001369396.7), dbSNP rs1320852597, ClinGen allele CA406036688.

ClinVar aggregate classification (germline): Uncertain significance (1 of 4 stars; one submission).

Conditions:
Agammaglobulinemia 3, autosomal recessive (AGM3). Also called: AGAMMAGLOBULINEMIA 3; AGAMMAGLOBULINEMIA, AUTOSOMAL RECESSIVE, DUE TO CD79A DEFECT. Identifiers: MedGen C3150751, MONDO:0013288, OMIM 613501.

Allele frequency attached by ClinVar (database versions not stated): gnomAD exomes below 0.00001; gnomAD 0.00002 and 0.00003; TOPMed 0.00002.

Submission:

Labcorp Genetics (formerly Invitae), Labcorp
Classification: Uncertain significance for Agammaglobulinemia 3, autosomal recessive. Last evaluated: 2024-10-07. Review status: criteria provided, single submitter. Criteria: Invitae Variant Classification Sherloc (09022015). Collection method: clinical testing. Allele origin: germline.
Comment: This sequence change replaces valine, which is neutral and non-polar, with methionine, which is neutral and non-polar, at codon 157 of the CD79A protein (p.Val157Met). The frequency data for this variant in the population databases is considered unreliable, as metrics indicate poor data quality at this position in the gnomAD database. This variant has not been reported in the literature in individuals affected with CD79A-related conditions. ClinVar contains an entry for this variant (Variation ID: 1369396). An algorithm developed to predict the effect of missense changes on protein structure and function (PolyPhen-2) suggests that this variant is likely to be disruptive. In summary, the available evidence is currently insufficient to determine the role of this variant in disease. Therefore, it has been classified as a Variant of Uncertain Significance.